The following is an entry in ClinVar:

NM_014946.4(SPAST):c.67_85dup (p.Leu29fs)

Gene: SPAST (spastin; plus strand). Cytogenetic location: 2p22.3.
Variant type: Duplication.
Coding change: c.67_85dup on transcript NM_014946.4 (MANE Select); coding-DNA positions 67 to 85, 19 bases duplicated (AGGCCTCCGCCCCCTTGCC).
Protein change: p.Leu29fs; shifts the reading frame from leucine 29.
Molecular consequence: frameshift variant.
Genome position (GRCh38, 1-based): chr2:32,063,898-32,063,916, AGGCCTCCGCCCCCTTGCC duplicated; duplicating any 19 consecutive bases within chr2:32,063,896-32,063,916 gives the same sequence; the c. name uses the placement nearest the transcript's 3' end. VCF-style (leftmost placement, unchanged base first): chr2-32063895-C-CCCAGGCCTCCGCCCCCTTG. GRCh37 (hg19) VCF-style: chr2-32288964-C-CCCAGGCCTCCGCCCCCTTG.
Other names: c.67_85dup, p.Leu29fs (NM_001363823.2, NM_001363875.2, NM_001377959.1 and 1 more transcripts); short protein forms L29fs.
Identifiers: ClinVar variation 988968 (VCV000988968.6), dbSNP rs1676388641, ClinGen allele CA1242461606.
Genomic context (GRCh38, chr2:32,063,895, plus strand): 5'-AATTCTCCGGGTGGACGAGGGAAGAAGAAAGGCTCCGGCGGCGCCAGCAACCCGGTGCCT[C>CCCAGGCCTCCGCCCCCTTG]CCAGGCCTCCGCCCCCTTGCCTGGCCCCCGCCCCTCCCGCCGCCGGGCCGGCCCCTCCGC-3'

ClinVar aggregate classification (germline): Pathogenic/Likely pathogenic. Review status: criteria provided, multiple submitters, no conflicts (2 of 4 stars). 5 submissions from 5 submitters: Pathogenic (3); Likely pathogenic (1). 1 of the submissions does not count toward it. Last evaluated 2021-02-01.

Conditions:
SPAST-related disorder. Also called: SPAST-related condition.
Hereditary spastic paraplegia 4. Also called: Spastic paraplegia 4, autosomal dominant; Spastic Paraplegia 4; Familial spastic paraplegia autosomal dominant 2. Identifiers: Orphanet 100985, MedGen C1866855, MONDO:0008438, OMIM 182601.

Submissions (5):

Institute of Medical Genetics and Applied Genomics, University Hospital Tübingen
Classification: Pathogenic. Last evaluated: 2021-02-01. Review status: criteria provided, single submitter. Criteria: ACMG Guidelines, 2015. Collection method: clinical testing. Allele origin: germline. Inheritance: Autosomal dominant inheritance. Affected: yes.

Blueprint Genetics
Classification: Pathogenic for SPAST-related disorders. Last evaluated: 2019-11-27. Review status: criteria provided, single submitter. Criteria: ACMG Guidelines, 2015. Collection method: clinical testing. Allele origin: germline. Affected: yes. Observed: 1 variant allele.

Neurogenetics Laboratory, Gh Pitie Salpetriere Aphp
Classification: Likely pathogenic for Hereditary spastic paraplegia 4. Review status: criteria provided, single submitter. Criteria: ACMG Guidelines, 2015. Collection method: clinical testing. Allele origin: paternal, unknown. Affected: yes. Observed: 2 heterozygotes, 1 mosaic individual. Clinical features observed: Progressive spastic paraplegia.

Paris Brain Institute, Inserm - ICM
Classification: Pathogenic for Hereditary spastic paraplegia 4. Review status: criteria provided, single submitter. Criteria: ACMG Guidelines, 2015. Collection method: clinical testing. Allele origin: unknown. Affected: yes. Observed: 1 variant allele.

Solve-RD Consortium
Classification: Likely pathogenic for Hereditary spastic paraplegia 4. Last evaluated: 2022-06-01. Review status: no assertion criteria provided. Collection method: provider interpretation. Allele origin: inherited. Affected: yes. Not counted in ClinVar's aggregate classification.
Comment: Variant confirmed as disease-causing by referring clinical team

Variant identified during reanalysis of unsolved cases by the Solve-RD project. The Solve-RD project has received funding from the European Union’s Horizon 2020 research and innovation programme under grant agreement No 779257.

Literature cited by the submitters: PubMed 39825153 (cited by Solve-RD Consortium).